The following is an entry in ClinVar:

NM_000465.4(BARD1):c.362C>G (p.Ser121Ter)

Gene: BARD1 (BRCA1 associated RING domain 1; minus strand). Cytogenetic location: 2q35.
Variant type: single nucleotide variant.
Coding change: c.362C>G on transcript NM_000465.4 (MANE Select); coding-DNA position 362, C replaced by G.
Protein change: p.Ser121Ter; replaces serine 121 with a stop codon.
Molecular consequence: nonsense. On other transcripts: non-coding transcript variant (1), intron variant (2).
Genome position (GRCh38, 1-based): chr2:214,792,299, G>C on the plus strand (C>G on the coding strand, the complement: BARD1 is on the minus strand). VCF-style: chr2-214792299-G-C. GRCh37 (hg19) VCF-style: chr2-215657023-G-C.
Other names: c.305C>G, p.Ser102Ter (NM_001282543.2); c.362C>G, p.Ser121Ter (NM_001282549.2); c.158+17113C>G (NM_001282548.2); c.215+4762C>G (NM_001282545.2); short protein forms S121*, S102*.
Identifiers: ClinVar variation 1981610 (VCV001981610.8), dbSNP rs2469560081, ClinGen allele CA350460724.
Genomic context (GRCh38, chr2:214,792,299, plus strand): 5'-TGAATTCATCAGTTTTTAACTGATGAATTTAACTAAGAGAGATAGGGATAGTTCTTACCT[G>C]ACAGCTCATTGTCATGTAGCAAATTTCGAAGCTTACTACAAAGTTGAATCATGCTGTCCA-3'

ClinVar aggregate classification (germline): Pathogenic/Likely pathogenic. Review status: criteria provided, multiple submitters, no conflicts (2 of 4 stars). 3 submissions from 3 submitters: Pathogenic (2); Likely pathogenic (1). Last evaluated 2024-01-22.

Conditions:
Familial cancer of breast. Also called: hereditary breast carcinoma; BREAST CANCER, FAMILIAL; Hereditary breast cancer. Identifiers: Orphanet 227535, MedGen C0346153, MONDO:0016419, OMIM 114480. Disease mechanism: loss of function.

Submissions (3):

Baylor Genetics
Classification: Likely pathogenic for Familial cancer of breast. Last evaluated: 2024-01-22. Review status: criteria provided, single submitter. Criteria: ACMG Guidelines, 2015. Collection method: clinical testing. Allele origin: unknown.

Myriad Genetics, Inc.
Classification: Pathogenic for Familial cancer of breast. Last evaluated: 2023-05-18. Review status: criteria provided, single submitter. Criteria: Myriad Autosomal Dominant, Autosomal Recessive and X-Linked Classification Criteria (2023). Collection method: clinical testing. Allele origin: unknown.
Comment: This variant is considered pathogenic. This variant creates a termination codon and is predicted to result in premature protein truncation.

Labcorp Genetics (formerly Invitae), Labcorp
Classification: Pathogenic for Familial cancer of breast. Last evaluated: 2022-05-24. Review status: criteria provided, single submitter. Criteria: Invitae Variant Classification Sherloc (09022015). Collection method: clinical testing. Allele origin: germline.
Comment: This sequence change creates a premature translational stop signal (p.Ser121*) in the BARD1 gene. It is expected to result in an absent or disrupted protein product. Loss-of-function variants in BARD1 are known to be pathogenic (PMID: 20077502, 21344236). This variant is not present in population databases (gnomAD no frequency). This variant has not been reported in the literature in individuals affected with BARD1-related conditions. For these reasons, this variant has been classified as Pathogenic.

Literature cited by the submitters: PubMed 20077502 (cited by Labcorp Genetics (formerly Invitae), Labcorp); PubMed 21344236 (cited by Labcorp Genetics (formerly Invitae), Labcorp).